The following is an entry in ClinVar:

NM_002637.4(PHKA1):c.3074C>T (p.Ser1025Leu)

Gene: PHKA1 (phosphorylase kinase regulatory subunit alpha 1; minus strand). Cytogenetic location: Xq13.1.
Variant type: single nucleotide variant.
Coding change: c.3074C>T on transcript NM_002637.4 (MANE Select); coding-DNA position 3074, C replaced by T.
Protein change: p.Ser1025Leu; replaces serine 1025 with leucine.
Molecular consequence: missense variant.
Genome position (GRCh38, 1-based): chrX:72,593,273, G>A on the plus strand (C>T on the coding strand, the complement: PHKA1 is on the minus strand). VCF-style: chrX-72593273-G-A. GRCh37 (hg19) VCF-style: chrX-71813123-G-A.
Other names: c.3035C>T, p.Ser1012Leu (NM_001122670.2, NM_001440787.1); c.2858C>T, p.Ser953Leu (NM_001172436.2, NM_001440788.1); c.3125C>T, p.Ser1042Leu (NM_001431068.1); short protein forms S1012L, S1025L, S953L, S1042L.
Identifiers: ClinVar variation 4782158 (VCV004782158.1).

ClinVar aggregate classification (germline): Uncertain significance (1 of 4 stars; one submission).

Conditions:
Glycogen storage disease IXd (GSD9D). Also called: Muscle Phosphorylase Kinase Deficiency; GSD IXd. Identifiers: Orphanet 715, MedGen C1845151, MONDO:0010362, OMIM 300559.

gnomAD v4.1: 2 of 1,182,315 alleles (0.00017%); highest among the groups gnomAD compares: African/African-American, 0.0035%; no homozygotes.

Submission:

Labcorp Genetics (formerly Invitae), Labcorp
Classification: Uncertain significance for Glycogen storage disease IXd. Last evaluated: 2025-08-15. Review status: criteria provided, single submitter. Criteria: Invitae Variant Classification Sherloc (09022015). Collection method: clinical testing. Allele origin: germline.
Comment: This sequence change replaces serine, which is neutral and polar, with leucine, which is neutral and non-polar, at codon 1025 of the PHKA1 protein (p.Ser1025Leu). This variant is present in population databases (no rsID available, gnomAD 0.02%). This variant has not been reported in the literature in individuals affected with PHKA1-related conditions. An algorithm developed to predict the effect of missense changes on protein structure and function (PolyPhen-2) suggests that this variant is likely to be tolerated. In summary, the available evidence is currently insufficient to determine the role of this variant in disease. Therefore, it has been classified as a Variant of Uncertain Significance.